The following is an entry in ClinVar:

ClinVar aggregate classification (germline): Benign (1 of 4 stars; one submission).

Conditions:
Familial cancer of breast. Also called: BREAST CANCER, FAMILIAL; Hereditary breast cancer; hereditary breast carcinoma. Identifiers: Orphanet 227535, MedGen C0346153, MONDO:0016419, OMIM 114480. Disease mechanism: loss of function.

Submission:

Myriad Genetics, Inc.
Classification: Benign for Familial cancer of breast. Last evaluated: 2024-05-07. Review status: criteria provided, single submitter. Criteria: Myriad Autosomal Dominant, Autosomal Recessive and X-Linked Classification Criteria (2023). Collection method: clinical testing. Allele origin: unknown.
Comment: This variant is considered benign. This variant is a silent/synonymous amino acid change and it is not expected to impact splicing.

NM_000051.4(ATM):c.2157A>C (p.Ser719=)

Gene: ATM (ATM serine/threonine kinase; plus strand). Cytogenetic location: 11q22.3.
Variant type: single nucleotide variant.
Coding change: c.2157A>C on transcript NM_000051.4 (MANE Select); coding-DNA position 2157, A replaced by C.
Protein change: p.Ser719=; no amino-acid change (serine 719 retained).
Molecular consequence: synonymous variant.
Genome position (GRCh38, 1-based): chr11:108,256,247, A>C. VCF-style: chr11-108256247-A-C. GRCh37 (hg19) VCF-style: chr11-108126974-A-C.
Other names: c.2157A>C, p.Ser719= (NM_001351834.2).
Identifiers: ClinVar variation 3253849 (VCV003253849.1), dbSNP rs1591542014.